The following is an entry in ClinVar:

NM_052947.4(ALPK2):c.469A>C (p.Thr157Pro)

Gene: ALPK2 (alpha kinase 2; minus strand). Cytogenetic location: 18q21.31.
Variant type: single nucleotide variant.
Coding change: c.469A>C on transcript NM_052947.4 (MANE Select); coding-DNA position 469, A replaced by C.
Protein change: p.Thr157Pro; replaces threonine 157 with proline.
Molecular consequence: missense variant.
Genome position (GRCh38, 1-based): chr18:58,580,307, T>G on the plus strand (A>C on the coding strand, the complement: ALPK2 is on the minus strand). VCF-style: chr18-58580307-T-G. GRCh37 (hg19) VCF-style: chr18-56247539-T-G.
Other names: short protein forms T157P.
Identifiers: ClinVar variation 3531860 (VCV003531860.1).

ClinVar aggregate classification (germline): Uncertain significance (1 of 4 stars; one submission).

Submission:

Ambry Genetics
Classification: Uncertain significance. Last evaluated: 2024-10-25. Review status: criteria provided, single submitter. Criteria: Ambry Variant Classification Scheme 2023. Collection method: clinical testing. Allele origin: germline.
Comment: The p.T157P variant (also known as c.469A>C), located in coding exon 3 of the ALPK2 gene, results from an A to C substitution at nucleotide position 469. The threonine at codon 157 is replaced by proline, an amino acid with highly similar properties. This amino acid position is conserved. In addition, this alteration is predicted to be tolerated by in silico analysis. Based on the available evidence, the clinical significance of this variant remains unclear.